The following is an entry in ClinVar:

ClinVar aggregate classification (germline): Uncertain significance (1 of 4 stars; one submission).

Submission:

GeneDx
Classification: Uncertain significance. Last evaluated: 2026-09-12. Review status: criteria provided, single submitter. Criteria: GeneDx Variant Classification Process June 2021. Collection method: clinical testing. Allele origin: germline.
Comment: Not observed at significant frequency in large population cohorts (gnomAD); In silico analysis suggests that this missense variant does not alter protein structure/function; Has not been previously published as pathogenic or benign to our knowledge

NM_003620.4(PPM1D):c.1046T>C (p.Met349Thr)

Gene: PPM1D (protein phosphatase, Mg2+/Mn2+ dependent 1D; plus strand). Cytogenetic location: 17q23.2.
Variant type: single nucleotide variant.
Coding change: c.1046T>C on transcript NM_003620.4 (MANE Select); coding-DNA position 1046, T replaced by C.
Protein change: p.Met349Thr; replaces methionine 349 with threonine.
Molecular consequence: missense variant.
Genome position (GRCh38, 1-based): chr17:60,656,627, T>C. VCF-style: chr17-60656627-T-C. GRCh37 (hg19) VCF-style: chr17-58733988-T-C.
Other names: short protein forms M349T.
Identifiers: ClinVar variation 1702627 (VCV001702627.3), dbSNP rs2143719247, ClinGen allele CA400450031.